The following is an entry in ClinVar:

ClinVar aggregate classification (germline): Uncertain significance (1 of 4 stars; one submission).

Submission:

Ambry Genetics
Classification: Uncertain significance. Last evaluated: 2024-01-09. Review status: criteria provided, single submitter. Criteria: Ambry Variant Classification Scheme 2023. Collection method: clinical testing. Allele origin: germline.
Comment: The p.R1364K variant (also known as c.4091G>A), located in coding exon 17 of the NPAT gene, results from a G to A substitution at nucleotide position 4091. The arginine at codon 1364 is replaced by lysine, an amino acid with highly similar properties. This amino acid position is conserved. In addition, this alteration is predicted to be tolerated by in silico analysis. Since supporting evidence is limited at this time, the clinical significance of this alteration remains unclear.

NM_002519.3(NPAT):c.4091G>A (p.Arg1364Lys)

Gene: NPAT (nuclear protein, coactivator of histone transcription; minus strand). Cytogenetic location: 11q22.3.
Variant type: single nucleotide variant.
Coding change: c.4091G>A on transcript NM_002519.3 (MANE Select); coding-DNA position 4091, G replaced by A.
Protein change: p.Arg1364Lys; replaces arginine 1364 with lysine.
Molecular consequence: missense variant.
Genome position (GRCh38, 1-based): chr11:108,160,995, C>T on the plus strand (G>A on the coding strand, the complement: NPAT is on the minus strand). VCF-style: chr11-108160995-C-T. GRCh37 (hg19) VCF-style: chr11-108031722-C-T.
Other names: c.4112G>A, p.Arg1371Lys (NM_001321307.1); short protein forms R1364K, R1371K.
Identifiers: ClinVar variation 3222619 (VCV003222619.1), dbSNP rs368243074, ClinGen allele CA382509392.